The following is an entry in ClinVar:

ClinVar aggregate classification (germline): Uncertain significance (1 of 4 stars; one submission).

Allele frequency attached by ClinVar (database versions not stated): gnomAD exomes below 0.00001.

Submission:

Labcorp Genetics (formerly Invitae), Labcorp
Classification: Uncertain significance. Last evaluated: 2021-05-25. Review status: criteria provided, single submitter. Criteria: Invitae Variant Classification Sherloc (09022015). Collection method: clinical testing. Allele origin: germline.
Comment: In summary, the available evidence is currently insufficient to determine the role of this variant in disease. Therefore, it has been classified as a Variant of Uncertain Significance. Algorithms developed to predict the effect of missense changes on protein structure and function are either unavailable or do not agree on the potential impact of this missense change (SIFT: "Deleterious"; PolyPhen-2: "Probably Damaging"; Align-GVGD: "Class C15"). This variant has not been reported in the literature in individuals with CWC27-related conditions. This variant is not present in population databases (ExAC no frequency). This sequence change replaces alanine with valine at codon 100 of the CWC27 protein (p.Ala100Val). The alanine residue is highly conserved and there is a small physicochemical difference between alanine and valine.

NM_005869.4(CWC27):c.299C>T (p.Ala100Val)

Gene: CWC27 (CWC27 spliceosome associated cyclophilin; plus strand). Cytogenetic location: 5q12.3.
Variant type: single nucleotide variant.
Coding change: c.299C>T on transcript NM_005869.4 (MANE Select); coding-DNA position 299, C replaced by T.
Protein change: p.Ala100Val; replaces alanine 100 with valine.
Molecular consequence: missense variant.
Genome position (GRCh38, 1-based): chr5:64,783,882, C>T. VCF-style: chr5-64783882-C-T. GRCh37 (hg19) VCF-style: chr5-64079709-C-T.
Other names: c.299C>T, p.Ala100Val (NM_001297644.1, NM_001297645.2, NM_001318000.2 and 1 more transcripts); short protein forms A100V.
Identifiers: ClinVar variation 1477459 (VCV001477459.8), dbSNP rs2112165858, ClinGen allele CA359843732.